The following is an entry in ClinVar:

ClinVar aggregate classification (germline): Likely benign. Review status: criteria provided, multiple submitters, no conflicts (2 of 4 stars). 2 submissions from 2 submitters: Likely benign (2). Last evaluated 2024-11-20.

Allele frequency attached by ClinVar (database versions not stated): 1000 Genomes Project 30x 0.00094; 1000 Genomes Project 0.00120.
gnomAD v4.1: 1,713 of 1,614,142 alleles (0.11%); highest among the groups gnomAD compares: Non-Finnish European, 0.13%; 3 homozygotes.

Submissions (2):

Blueprint Genetics
Classification: Likely benign. Last evaluated: 2024-11-20. Review status: criteria provided, single submitter. Criteria: ACMG Guidelines, 2015. Collection method: clinical testing. Allele origin: germline.

CeGaT Center for Human Genetics Tuebingen
Classification: Likely benign. Last evaluated: 2023-03-01. Review status: criteria provided, single submitter. Criteria: CeGaT Center For Human Genetics Tuebingen Variant Classification Criteria Version 2. Collection method: clinical testing. Allele origin: germline. Affected: yes. Observed: 2 variant alleles.
Comment: SEMA6B: BP4, BP7

NM_032108.4(SEMA6B):c.420G>C (p.Thr140=)

Gene: SEMA6B (semaphorin 6B; minus strand). Cytogenetic location: 19p13.3.
Variant type: single nucleotide variant.
Coding change: c.420G>C on transcript NM_032108.4 (MANE Select); coding-DNA position 420, G replaced by C.
Protein change: p.Thr140=; no amino-acid change (threonine 140 retained).
Molecular consequence: synonymous variant.
Genome position (GRCh38, 1-based): chr19:4,556,039, C>G on the plus strand (G>C on the coding strand, the complement: SEMA6B is on the minus strand). VCF-style: chr19-4556039-C-G. GRCh37 (hg19) VCF-style: chr19-4556051-C-G.
Identifiers: ClinVar variation 2649078 (VCV002649078.25), dbSNP rs73527729, ClinGen allele CA9102886.